The following is an entry in ClinVar:

ClinVar aggregate classification (germline): Uncertain significance (1 of 4 stars; one submission).

gnomAD v4.1: 1 of 1,609,510 alleles (0.000062%); highest among the groups gnomAD compares: Non-Finnish European, 0.000085%; no homozygotes.

Submission:

Labcorp Genetics (formerly Invitae), Labcorp
Classification: Uncertain significance. Last evaluated: 2026-01-22. Review status: criteria provided, single submitter. Criteria: Invitae Variant Classification Sherloc (09022015). Collection method: clinical testing. Allele origin: germline.
Comment: This sequence change replaces arginine, which is basic and polar, with leucine, which is neutral and non-polar, at codon 316 of the IHH protein (p.Arg316Leu). This variant is not present in population databases (gnomAD no frequency). This variant has not been reported in the literature in individuals affected with IHH-related conditions. Invitae Evidence Modeling of protein sequence and biophysical properties (such as structural, functional, and spatial information, amino acid conservation, physicochemical variation, residue mobility, and thermodynamic stability) indicates that this missense variant is not expected to disrupt IHH protein function with a negative predictive value of 80%. In summary, the available evidence is currently insufficient to determine the role of this variant in disease. Therefore, it has been classified as a Variant of Uncertain Significance.

NM_002181.4(IHH):c.947G>T (p.Arg316Leu)

Gene: IHH (Indian hedgehog signaling molecule; minus strand). Cytogenetic location: 2q35.
Variant type: single nucleotide variant.
Coding change: c.947G>T on transcript NM_002181.4 (MANE Select); coding-DNA position 947, G replaced by T.
Protein change: p.Arg316Leu; replaces arginine 316 with leucine.
Molecular consequence: missense variant.
Genome position (GRCh38, 1-based): chr2:219,055,496, C>A on the plus strand (G>T on the coding strand, the complement: IHH is on the minus strand). VCF-style: chr2-219055496-C-A. GRCh37 (hg19) VCF-style: chr2-219920218-C-A.
Other names: short protein forms R316L.
Identifiers: ClinVar variation 4706573 (VCV004706573.1).